The following is an entry in ClinVar:

NM_000440.3(PDE6A):c.2524C>T (p.Pro842Ser)

Gene: PDE6A (phosphodiesterase 6A; minus strand). Cytogenetic location: 5q32.
Variant type: single nucleotide variant.
Coding change: c.2524C>T on transcript NM_000440.3 (MANE Select); coding-DNA position 2524, C replaced by T.
Protein change: p.Pro842Ser; replaces proline 842 with serine.
Molecular consequence: missense variant.
Genome position (GRCh38, 1-based): chr5:149,860,954, G>A on the plus strand (C>T on the coding strand, the complement: PDE6A is on the minus strand). VCF-style: chr5-149860954-G-A. GRCh37 (hg19) VCF-style: chr5-149240517-G-A.
Other names: c.2281C>T, p.Pro761Ser (NM_001410788.1); short protein forms P761S, P842S.
Identifiers: ClinVar variation 1903967 (VCV001903967.5), dbSNP rs2480411493, ClinGen allele CA361708600.
Genomic context (GRCh38, chr5:149,860,954, plus strand): 5'-GTTACTGGATGCAGCAGGACTTGGATGTAGTTGCACCCCCTGGGCTGGGGTTTCCCCCCG[G>A]CTGATTTCCTGCGGCTGCTGCAATGAAACAGGAAAAAGAACACACCAGGTGACAAGAGGC-3'
Protein context (NP_000431.2, residues 832-852): SAKSAAAGNQ[Pro842Ser]GGNPSPGGAT

ClinVar aggregate classification (germline): Uncertain significance (1 of 4 stars; one submission).

Submission:

Labcorp Genetics (formerly Invitae), Labcorp
Classification: Uncertain significance. Last evaluated: 2022-07-10. Review status: criteria provided, single submitter. Criteria: Invitae Variant Classification Sherloc (09022015). Collection method: clinical testing. Allele origin: germline.
Comment: This sequence change replaces proline, which is neutral and non-polar, with serine, which is neutral and polar, at codon 842 of the PDE6A protein (p.Pro842Ser). This variant is not present in population databases (gnomAD no frequency). This variant has not been reported in the literature in individuals affected with PDE6A-related conditions. Algorithms developed to predict the effect of missense changes on protein structure and function (SIFT, PolyPhen-2, Align-GVGD) all suggest that this variant is likely to be tolerated. In summary, the available evidence is currently insufficient to determine the role of this variant in disease. Therefore, it has been classified as a Variant of Uncertain Significance.